The following is an entry in ClinVar:

ClinVar aggregate classification (germline): Pathogenic. Review status: criteria provided, single submitter (1 of 4 stars). 2 submissions from 2 submitters: Pathogenic (1). 1 of the submissions does not count toward it. Last evaluated 2013-04-03.

Conditions:
Primary ciliary dyskinesia 23 (CILD23). Also called: CILIARY DYSKINESIA, PRIMARY, 23, WITH OR WITHOUT SITUS INVERSUS. Identifiers: Orphanet 244, MedGen C3809548, MONDO:0014193, OMIM 615451.

Submissions (2):

Lupski Lab, Baylor-Hopkins CMG, Baylor College of Medicine
Classification: Pathogenic for Primary ciliary dyskinesia 23. Last evaluated: 2013-04-03. Review status: criteria provided, single submitter. Criteria: Hjeij et al. (Am J Hum Genet. 2013). Collection method: research. Allele origin: germline. Inheritance: Autosomal recessive inheritance. Affected: yes. Observed: 2 variant alleles, 2 homozygotes.
Comment: This homozygous deletion was predicted to introduce a premature termination, consistent with a loss-of-function mutation.

OMIM
Classification: Pathogenic for CILIARY DYSKINESIA, PRIMARY, 23. Last evaluated: 2013-08-08. Review status: no assertion criteria provided. Collection method: literature only. Allele origin: germline. Not counted in ClinVar's aggregate classification.

Literature cited by the submitters: PubMed 23849778 (cited by OMIM).

NM_018076.5(ODAD2):c.382+995_936+335del

Gene: ODAD2 (outer dynein arm docking complex subunit 2; minus strand). Cytogenetic location: 10p12.1.
Variant type: Deletion.
Coding change: c.382+995_936+335del on transcript NM_018076.5 (MANE Select); 995 bases into the intron after coding-DNA position 382 through 335 bases into the intron after coding-DNA position 936, 5,261 bases deleted.
Molecular consequence: splice acceptor variant, splice donor variant.
Genome position (GRCh38, 1-based): chr10:27,981,131-27,986,391, 5,261 bases deleted. GRCh37 (hg19): chr10:28,270,060-28,275,320.
Other names: 8.4-KB DEL; c.382+995_936+335del (NM_001290020.2).
Identifiers: ClinVar variation 66044 (VCV000066044.1), ClinGen allele CA144845.